The following is an entry in ClinVar:

ClinVar aggregate classification (germline): Likely benign. Review status: criteria provided, single submitter (1 of 4 stars). 2 submissions from 2 submitters: Likely benign (1). 1 of the submissions does not count toward it. Last evaluated 2025-08-15.

Conditions:
COL18A1-related disorder. Also called: COL18A1-related disorders; COL18A1-related condition.

Allele frequency attached by ClinVar (database versions not stated): gnomAD 0.00001; TOPMed below 0.00001; ExAC 0.00001.
gnomAD v4.1: 8 of 1,606,788 alleles (0.0005%); highest among the groups gnomAD compares: Non-Finnish European, 0.00068%; no homozygotes.

Submissions (2):

Labcorp Genetics (formerly Invitae), Labcorp
Classification: Likely benign. Last evaluated: 2025-08-15. Review status: criteria provided, single submitter. Criteria: Invitae Variant Classification Sherloc (09022015). Collection method: clinical testing. Allele origin: germline.

PreventionGenetics, part of Exact Sciences
Classification: Likely benign for COL18A1-related condition. Last evaluated: 2022-06-09. Review status: no assertion criteria provided. Collection method: clinical testing. Allele origin: germline. Not counted in ClinVar's aggregate classification.
Comment: This variant is classified as likely benign based on ACMG/AMP sequence variant interpretation guidelines (Richards et al. 2015 PMID: 25741868, with internal and published modifications).

NM_001379500.1(COL18A1):c.1612-7C>T

Gene: COL18A1 (collagen type XVIII alpha 1 chain; plus strand). Cytogenetic location: 21q22.3.
Variant type: single nucleotide variant.
Coding change: c.1612-7C>T on transcript NM_001379500.1 (MANE Select); 7 bases into the intron before coding-DNA position 1612, C replaced by T.
Molecular consequence: intron variant.
Genome position (GRCh38, 1-based): chr21:45,481,956, C>T. VCF-style: chr21-45481956-C-T. GRCh37 (hg19) VCF-style: chr21-46901870-C-T.
Other names: c.2152-7C>T (NM_030582.3, NM_030582.4); c.2857-7C>T (NM_130444.3).
Identifiers: ClinVar variation 2096117 (VCV002096117.6), dbSNP rs758539599, ClinGen allele CA10066425.